The following is an entry in ClinVar:

ClinVar aggregate classification (germline): Uncertain significance. Review status: criteria provided, multiple submitters, no conflicts (2 of 4 stars). 3 submissions from 3 submitters: Uncertain significance (3). Last evaluated 2025-04-03.

Conditions:
Baller-Gerold syndrome (BGS). Also called: CRANIOSYNOSTOSIS WITH RADIAL DEFECTS. Identifiers: Orphanet 1225, MedGen C0265308, MONDO:0009039, OMIM 218600.
Rothmund-Thomson syndrome type 2 (RTS2). Identifiers: Orphanet 221016, MedGen C5203410, MONDO:0016369, OMIM 268400.
Inborn genetic diseases. Identifiers: MedGen C0950123, MeSH D030342.

gnomAD v4.1: 14 of 1,569,718 alleles (0.00089%); highest among the groups gnomAD compares: Admixed American, 0.0038%; no homozygotes.

Submissions (3):

Ambry Genetics
Classification: Uncertain significance for Inborn genetic diseases. Last evaluated: 2025-04-03. Review status: criteria provided, single submitter. Criteria: Ambry Variant Classification Scheme 2023. Collection method: clinical testing. Allele origin: germline.

Labcorp Genetics (formerly Invitae), Labcorp
Classification: Uncertain significance for Baller-Gerold syndrome. Last evaluated: 2024-04-22. Review status: criteria provided, single submitter. Criteria: Invitae Variant Classification Sherloc (09022015). Collection method: clinical testing. Allele origin: germline.
Comment: This sequence change replaces alanine, which is neutral and non-polar, with aspartic acid, which is acidic and polar, at codon 480 of the RECQL4 protein (p.Ala480Asp). The frequency data for this variant in the population databases is considered unreliable, as metrics indicate poor data quality at this position in the gnomAD database. This variant has not been reported in the literature in individuals affected with RECQL4-related conditions. ClinVar contains an entry for this variant (Variation ID: 850084). Advanced modeling of protein sequence and biophysical properties (such as structural, functional, and spatial information, amino acid conservation, physicochemical variation, residue mobility, and thermodynamic stability) performed at Invitae indicates that this missense variant is not expected to disrupt RECQL4 protein function with a negative predictive value of 80%. In summary, the available evidence is currently insufficient to determine the role of this variant in disease. Therefore, it has been classified as a Variant of Uncertain Significance.

Baylor Genetics
Classification: Uncertain significance for Rothmund-Thomson syndrome type 2. Last evaluated: 2020-11-20. Review status: criteria provided, single submitter. Criteria: ACMG Guidelines, 2015. Collection method: clinical testing. Allele origin: unknown. Affected: yes. Study: CSER-TexasKidsCanSeq.
Comment: This variant was determined to be of uncertain significance according to ACMG Guidelines, 2015 [PMID:25741868].

NM_004260.4(RECQL4):c.1439C>A (p.Ala480Asp)

Gene: RECQL4 (RecQ like helicase 4; minus strand). Cytogenetic location: 8q24.3.
Variant type: single nucleotide variant.
Coding change: c.1439C>A on transcript NM_004260.4 (MANE Select); coding-DNA position 1439, C replaced by A.
Protein change: p.Ala480Asp; replaces alanine 480 with aspartic acid.
Molecular consequence: missense variant.
Genome position (GRCh38, 1-based): chr8:144,515,194, G>T on the plus strand (C>A on the coding strand, the complement: RECQL4 is on the minus strand). VCF-style: chr8-144515194-G-T. GRCh37 (hg19) VCF-style: chr8-145740578-G-T.
Other names: short protein forms A480D.
Identifiers: ClinVar variation 850084 (VCV000850084.8), dbSNP rs767337200, ClinGen allele CA372684798.